The following is an entry in ClinVar:

ClinVar aggregate classification (germline): Uncertain significance (1 of 4 stars; one submission).

Submission:

Labcorp Genetics (formerly Invitae), Labcorp
Classification: Uncertain significance. Last evaluated: 2022-03-02. Review status: criteria provided, single submitter. Criteria: Invitae Variant Classification Sherloc (09022015). Collection method: clinical testing. Allele origin: germline.
Comment: This variant has not been reported in the literature in individuals affected with TOP2B-related conditions. This variant is not present in population databases (gnomAD no frequency). This sequence change replaces serine, which is neutral and polar, with threonine, which is neutral and polar, at codon 1461 of the TOP2B protein (p.Ser1461Thr). Algorithms developed to predict the effect of missense changes on protein structure and function (SIFT, PolyPhen-2, Align-GVGD) all suggest that this variant is likely to be tolerated. In summary, the available evidence is currently insufficient to determine the role of this variant in disease. Therefore, it has been classified as a Variant of Uncertain Significance.

NM_001330700.2(TOP2B):c.4397G>C (p.Ser1466Thr)

Gene: TOP2B (DNA topoisomerase II beta; minus strand). Cytogenetic location: 3p24.2.
Variant type: single nucleotide variant.
Coding change: c.4397G>C on transcript NM_001330700.2 (MANE Select); coding-DNA position 4397, G replaced by C.
Protein change: p.Ser1466Thr; replaces serine 1466 with threonine.
Molecular consequence: missense variant.
Genome position (GRCh38, 1-based): chr3:25,604,852, C>G on the plus strand (G>C on the coding strand, the complement: TOP2B is on the minus strand). VCF-style: chr3-25604852-C-G. GRCh37 (hg19) VCF-style: chr3-25646343-C-G.
Other names: c.4382G>C, p.Ser1461Thr (NM_001068.3); short protein forms S1461T, S1466T.
Identifiers: ClinVar variation 1367350 (VCV001367350.8), dbSNP rs2125345605, ClinGen allele CA351891842.